The following is an entry in ClinVar:

ClinVar aggregate classification (germline): Likely pathogenic (1 of 4 stars; one submission).

Conditions:
Hypertrophic cardiomyopathy. Also called: HYPERTROPHIC MYOCARDIOPATHY. Identifiers: Orphanet 217569, MedGen C0007194, MeSH D002312, MONDO:0005045, HP:0001639.

Submission:

Labcorp Genetics (formerly Invitae), Labcorp
Classification: Likely pathogenic for Hypertrophic cardiomyopathy. Last evaluated: 2025-02-20. Review status: criteria provided, single submitter. Criteria: Invitae Variant Classification Sherloc (09022015). Collection method: clinical testing. Allele origin: germline.
Comment: This sequence change affects a donor splice site in intron 6 of the TNNI3 gene. It is expected to disrupt RNA splicing. Variants that disrupt the donor or acceptor splice site typically lead to a loss of protein function (PMID: 16199547), and loss-of-function variants in TNNI3 are known to be pathogenic (PMID: 31568572, 34036930, 35838873). This variant is not present in population databases (gnomAD no frequency). This variant has not been reported in the literature in individuals affected with TNNI3-related conditions. Algorithms developed to predict the effect of sequence changes on RNA splicing suggest that this variant may disrupt the consensus splice site. In summary, the currently available evidence indicates that the variant is pathogenic, but additional data are needed to prove that conclusively. Therefore, this variant has been classified as Likely Pathogenic.

Literature cited by the submitters: PubMed 16199547; PubMed 31568572; PubMed 34036930; PubMed 35838873.

NM_000363.5(TNNI3):c.372+1G>T

Gene: TNNI3 (troponin I3, cardiac type; minus strand). Cytogenetic location: 19q13.42.
Variant type: single nucleotide variant.
Coding change: c.372+1G>T on transcript NM_000363.5 (MANE Select); the canonical splice donor site of the intron after coding-DNA position 372, G replaced by T.
Molecular consequence: splice donor variant.
Genome position (GRCh38, 1-based): chr19:55,154,740, C>A on the plus strand (G>T on the coding strand, the complement: TNNI3 is on the minus strand). VCF-style: chr19-55154740-C-A. GRCh37 (hg19) VCF-style: chr19-55666108-C-A.
Identifiers: ClinVar variation 4804904 (VCV004804904.1).